The following is an entry in ClinVar:

NM_032888.4(COL27A1):c.3393G>A (p.Pro1131=)

Gene: COL27A1 (collagen type XXVII alpha 1 chain; plus strand). Cytogenetic location: 9q32.
Variant type: single nucleotide variant.
Coding change: c.3393G>A on transcript NM_032888.4 (MANE Select); coding-DNA position 3393, G replaced by A.
Protein change: p.Pro1131=; no amino-acid change (proline 1131 retained).
Molecular consequence: synonymous variant.
Genome position (GRCh38, 1-based): chr9:114,265,475, G>A. VCF-style: chr9-114265475-G-A. GRCh37 (hg19) VCF-style: chr9-117027755-G-A.
Identifiers: ClinVar variation 2193525 (VCV002193525.2), dbSNP rs140849642, ClinGen allele CA5202447.
Genomic context (GRCh38, chr9:114,265,475, plus strand): 5'-TCTGCAGGGCATCCCGGGTCCCTCAGGCCCCCCAGGCACCAAGGGCCTCCCAGGAGAACC[G>A]GTAAGAGCCCTTTCCTTCCCTCTTCTGCTTCTTTGCCGCTGGCACCTGGGGGTGTGGGCC-3'
Protein context (NP_116277.2, residues 1121-1141): PPGTKGLPGE[Pro1131=]GPQGPQGPIG

ClinVar aggregate classification (germline): Uncertain significance (1 of 4 stars; one submission).

Allele frequency attached by ClinVar (database versions not stated): gnomAD 0.00017; ESP Exome Variant Server 0.00023; TOPMed 0.00031.
gnomAD v4.1: 431 of 1,613,654 alleles (0.027%); highest among the groups gnomAD compares: Middle Eastern, 0.12%; 1 homozygote.

Submissions (4):

Labcorp Genetics (formerly Invitae), Labcorp
Classification: Uncertain significance. Last evaluated: 2022-06-20. Review status: criteria provided, single submitter. Criteria: Invitae Variant Classification Sherloc (09022015). Collection method: clinical testing. Allele origin: germline.
Comment: This sequence change affects codon 1131 of the COL27A1 mRNA. It is a 'silent' change, meaning that it does not change the encoded amino acid sequence of the COL27A1 protein. This variant also falls at the last nucleotide of exon 32, which is part of the consensus splice site for this exon. This variant is present in population databases (rs140849642, gnomAD 0.05%). This variant has not been reported in the literature in individuals affected with COL27A1-related conditions. Variants that disrupt the consensus splice site are a relatively common cause of aberrant splicing (PMID: 17576681, 9536098). Algorithms developed to predict the effect of sequence changes on RNA splicing suggest that this variant is not likely to affect RNA splicing. In summary, the available evidence is currently insufficient to determine the role of this variant in disease. Therefore, it has been classified as a Variant of Uncertain Significance.

Dr. Peter K. Rogan Lab, Western University
No classification provided (evidence only). Condition: Papillary renal cell carcinoma type 1. Review status: no classification provided. Collection method: in vitro. Allele origin: not applicable. Functional consequence: skipped exon, retained intron. Not counted in ClinVar's aggregate classification.

Dr. Peter K. Rogan Lab, Western University
No classification provided (evidence only). Condition: Thyroid cancer, nonmedullary, 1. Review status: no classification provided. Collection method: in vitro. Allele origin: not applicable. Functional consequence: retained intron. Not counted in ClinVar's aggregate classification.

Dr. Peter K. Rogan Lab, Western University
No classification provided (evidence only). Condition: Adrenocortical carcinoma, hereditary. Review status: no classification provided. Collection method: in vitro. Allele origin: not applicable. Functional consequence: skipped exon, retained intron. Not counted in ClinVar's aggregate classification.

Literature cited by the submitters: PubMed 17576681 (cited by Labcorp Genetics (formerly Invitae), Labcorp); PubMed 9536098 (cited by Labcorp Genetics (formerly Invitae), Labcorp).